The following is an entry in ClinVar:

NM_000059.4(BRCA2):c.9413T>G (p.Leu3138Ter)

Gene: BRCA2 (BRCA2 DNA repair associated; plus strand). Cytogenetic location: 13q13.1.
Variant type: single nucleotide variant.
Coding change: c.9413T>G on transcript NM_000059.4 (MANE Select); coding-DNA position 9413, T replaced by G.
Protein change: p.Leu3138Ter; replaces leucine 3138 with a stop codon.
Molecular consequence: nonsense.
Genome position (GRCh38, 1-based): chr13:32,394,845, T>G. VCF-style: chr13-32394845-T-G. GRCh37 (hg19) VCF-style: chr13-32968982-T-G.
Other names: 9641T>G; short protein forms L3138*.
Identifiers: ClinVar variation 267159 (VCV000267159.13), dbSNP rs886040838, ClinGen allele CA10589565.

ClinVar aggregate classification (germline): Pathogenic. Review status: reviewed by expert panel (3 of 4 stars). 3 submissions from 3 submitters: Pathogenic (1). 2 of the submissions do not count toward it. Last evaluated 2016-10-18.

Conditions:
Breast-ovarian cancer, familial, susceptibility to, 2 (BROVCA2). Also called: BRCA2 Hereditary Breast and Ovarian Cancer. Identifiers: Orphanet 145, MedGen C2675520, MONDO:0012933, OMIM 612555. Disease mechanism: loss of function.
Hereditary breast ovarian cancer syndrome. Also called: BRCA1- and BRCA2-Associated Hereditary Breast and Ovarian Cancer; Hereditary breast and ovarian cancer; Breast and ovarian cancer; Hereditary breast and/or ovarian cancer syndrome; Hereditary breast and ovarian cancer syndrome; Hereditary breast and ovarian cancer syndrome (HBOC). Identifiers: Orphanet 145, MedGen C0677776, MeSH D061325, MONDO:0003582. Disease mechanism: loss of function.

Submissions (3):

Evidence-based Network for the Interpretation of Germline Mutant Alleles (ENIGMA)
Classification: Pathogenic for Breast-ovarian cancer, familial, susceptibility to, 2. Last evaluated: 2016-10-18. Review status: reviewed by expert panel. Criteria: ENIGMA BRCA1/2 Classification Criteria (2015). Collection method: curation. Allele origin: germline.
Comment: Variant allele predicted to encode a truncated non-functional protein.

Labcorp Genetics (formerly Invitae), Labcorp
Classification: Pathogenic for Hereditary breast ovarian cancer syndrome. Last evaluated: 2021-03-26. Review status: criteria provided, single submitter. Criteria: Invitae Variant Classification Sherloc (09022015). Collection method: clinical testing. Allele origin: germline. Not counted in ClinVar's aggregate classification.
Comment: This sequence change creates a premature translational stop signal (p.Leu3138*) in the BRCA2 gene. It is expected to result in an absent or disrupted protein product. Loss-of-function variants in BRCA2 are known to be pathogenic (PMID: 20104584). This variant is not present in population databases (ExAC no frequency). This variant has been observed in individual(s) with breast cancer (PMID: 28205045). ClinVar contains an entry for this variant (Variation ID: 267159). For these reasons, this variant has been classified as Pathogenic.

Consortium of Investigators of Modifiers of BRCA1/2 (CIMBA), c/o University of Cambridge
Classification: Pathogenic for Breast-ovarian cancer, familial, susceptibility to, 2. Last evaluated: 2015-10-02. Review status: criteria provided, single submitter. Criteria: CIMBA Mutation Classification guidelines May 2016. Collection method: clinical testing. Allele origin: germline. Not counted in ClinVar's aggregate classification.

Literature cited by the submitters: PubMed 20104584 (cited by Labcorp Genetics (formerly Invitae), Labcorp); PubMed 28205045 (cited by Labcorp Genetics (formerly Invitae), Labcorp).